The following is an entry in ClinVar:

ClinVar aggregate classification (germline): Uncertain significance (1 of 4 stars; one submission).

Allele frequency attached by ClinVar (database versions not stated): gnomAD exomes below 0.00001 and 0.00001; gnomAD 0.00001 and 0.00002; ExAC 0.00002; TOPMed 0.00002; 1000 Genomes Project 30x 0.00016; 1000 Genomes Project 0.00020.
gnomAD v4.1: 8 of 1,600,536 alleles (0.0005%); highest among the groups gnomAD compares: African/African-American, 0.0067%; no homozygotes.

Submission:

Labcorp Genetics (formerly Invitae), Labcorp
Classification: Uncertain significance. Last evaluated: 2022-08-16. Review status: criteria provided, single submitter. Criteria: Invitae Variant Classification Sherloc (09022015). Collection method: clinical testing. Allele origin: germline.
Comment: In summary, the available evidence is currently insufficient to determine the role of this variant in disease. Therefore, it has been classified as a Variant of Uncertain Significance. Algorithms developed to predict the effect of missense changes on protein structure and function are either unavailable or do not agree on the potential impact of this missense change (SIFT: "Tolerated"; PolyPhen-2: "Probably Damaging"; Align-GVGD: "Class C25"). ClinVar contains an entry for this variant (Variation ID: 1503887). This variant has not been reported in the literature in individuals affected with PLAA-related conditions. This variant is present in population databases (rs563889794, gnomAD 0.009%). This sequence change replaces tyrosine, which is neutral and polar, with cysteine, which is neutral and slightly polar, at codon 106 of the PLAA protein (p.Tyr106Cys).

NM_001031689.3(PLAA):c.317A>G (p.Tyr106Cys)

Gene: PLAA (phospholipase A2 activating protein; minus strand). Cytogenetic location: 9p21.2.
Variant type: single nucleotide variant.
Coding change: c.317A>G on transcript NM_001031689.3 (MANE Select); coding-DNA position 317, A replaced by G.
Protein change: p.Tyr106Cys; replaces tyrosine 106 with cysteine.
Molecular consequence: missense variant.
Genome position (GRCh38, 1-based): chr9:26,935,039, T>C on the plus strand (A>G on the coding strand, the complement: PLAA is on the minus strand). VCF-style: chr9-26935039-T-C. GRCh37 (hg19) VCF-style: chr9-26935037-T-C.
Other names: c.317A>G, p.Tyr106Cys (NM_001321546.2); short protein forms Y106C.
Identifiers: ClinVar variation 1503887 (VCV001503887.6), dbSNP rs563889794, ClinGen allele CA5014681.